The following is an entry in ClinVar:

ClinVar aggregate classification (germline): Uncertain significance. Review status: criteria provided, multiple submitters, no conflicts (2 of 4 stars). 2 submissions from 2 submitters: Uncertain significance (2). Last evaluated 2025-06-21.

Conditions:
Fanconi anemia (FA). Also called: Fanconi's anemia. Identifiers: Orphanet 84, MedGen C0015625, MeSH D005199, MONDO:0019391.
Inborn genetic diseases. Identifiers: MedGen C0950123, MeSH D030342.

Submissions (2):

Ambry Genetics
Classification: Uncertain significance for Inborn genetic diseases. Last evaluated: 2025-06-21. Review status: criteria provided, single submitter. Criteria: Ambry Variant Classification Scheme 2023. Collection method: clinical testing. Allele origin: germline.
Comment: The p.N319S variant (also known as c.956A>G), located in coding exon 5 of the FANCM gene, results from an A to G substitution at nucleotide position 956. The asparagine at codon 319 is replaced by serine, an amino acid with highly similar properties. This amino acid position is conserved. In addition, this alteration is predicted to be tolerated by in silico analysis. Based on the available evidence, the clinical significance of this variant remains unclear.

Labcorp Genetics (formerly Invitae), Labcorp
Classification: Uncertain significance for Fanconi anemia. Last evaluated: 2023-04-09. Review status: criteria provided, single submitter. Criteria: Invitae Variant Classification Sherloc (09022015). Collection method: clinical testing. Allele origin: germline.
Comment: In summary, the available evidence is currently insufficient to determine the role of this variant in disease. Therefore, it has been classified as a Variant of Uncertain Significance. An algorithm developed to predict the effect of missense changes on protein structure and function (PolyPhen-2) suggests that this variant is likely to be tolerated. This variant has not been reported in the literature in individuals affected with FANCM-related conditions. This variant is not present in population databases (gnomAD no frequency). This sequence change replaces asparagine, which is neutral and polar, with serine, which is neutral and polar, at codon 319 of the FANCM protein (p.Asn319Ser).

NM_020937.4(FANCM):c.956A>G (p.Asn319Ser)

Gene: FANCM (FA complementation group M; plus strand). Cytogenetic location: 14q21.2.
Variant type: single nucleotide variant.
Coding change: c.956A>G on transcript NM_020937.4 (MANE Select); coding-DNA position 956, A replaced by G.
Protein change: p.Asn319Ser; replaces asparagine 319 with serine.
Molecular consequence: missense variant.
Genome position (GRCh38, 1-based): chr14:45,151,434, A>G. VCF-style: chr14-45151434-A-G. GRCh37 (hg19) VCF-style: chr14-45620637-A-G.
Other names: c.878A>G, p.Asn293Ser (NM_001308133.2); c.956A>G, p.Asn319Ser (NM_001308134.2); short protein forms N319S, N293S.
Identifiers: ClinVar variation 3021862 (VCV003021862.4), dbSNP rs2503092819, ClinGen allele CA389590548.